The following is an entry in ClinVar:

NM_032043.3(BRIP1):c.3181A>G (p.Asn1061Asp)

Gene: BRIP1 (BRCA1 interacting DNA helicase 1; minus strand). Cytogenetic location: 17q23.2.
Variant type: single nucleotide variant.
Coding change: c.3181A>G on transcript NM_032043.3 (MANE Select); coding-DNA position 3181, A replaced by G.
Protein change: p.Asn1061Asp; replaces asparagine 1061 with aspartic acid.
Molecular consequence: missense variant.
Genome position (GRCh38, 1-based): chr17:61,683,865, T>C on the plus strand (A>G on the coding strand, the complement: BRIP1 is on the minus strand). VCF-style: chr17-61683865-T-C. GRCh37 (hg19) VCF-style: chr17-59761226-T-C.
Other names: short protein forms N1061D.
Identifiers: ClinVar variation 654901 (VCV000654901.8), dbSNP rs778430337, ClinGen allele CA400479416.
Genomic context (GRCh38, chr17:61,683,865, plus strand): 5'-CATCAATCTTTAATGATGAAATAATGGTTTCTGATTGAGGGCATGATCCAAACGATGTGT[T>C]TACTGTCAGATTTGAGGATTCACATTTATCAGTGAAGGGCAAAACAGTTTTACTTTCCAT-3'
Protein context (NP_114432.2, residues 1051-1071): DKCESSNLTV[Asn1061Asp]TSFGSCPQSE

ClinVar aggregate classification (germline): Uncertain significance. Review status: criteria provided, multiple submitters, no conflicts (2 of 4 stars). 2 submissions from 2 submitters: Uncertain significance (2). Last evaluated 2024-03-06.

Conditions:
Hereditary cancer-predisposing syndrome. Also called: Neoplastic Syndromes, Hereditary; Hereditary neoplastic syndrome; Hereditary Cancer Syndrome; Tumor predisposition. Identifiers: Orphanet 140162, MedGen C0027672, MeSH D009386, MONDO:0015356.
Fanconi anemia complementation group J. Also called: BRIP1-Related Fanconi Anemia. Identifiers: Orphanet 84, MedGen C1836860, MONDO:0012187, OMIM 609054.
Familial cancer of breast. Also called: hereditary breast carcinoma; Hereditary breast cancer; BREAST CANCER, FAMILIAL. Identifiers: Orphanet 227535, MedGen C0346153, MONDO:0016419, OMIM 114480. Disease mechanism: loss of function.

gnomAD v4.1: 2 of 1,614,214 alleles (0.00012%); highest among the groups gnomAD compares: South Asian, 0.0022%; no homozygotes.

Submissions (2):

Color Diagnostics, LLC DBA Color Health
Classification: Uncertain significance for Hereditary cancer-predisposing syndrome. Last evaluated: 2024-03-06. Review status: criteria provided, single submitter. Criteria: ACMG Guidelines, 2015. Collection method: clinical testing. Allele origin: germline.
Comment: This missense variant replaces asparagine with aspartic acid at codon 1061 of the BRIP1 protein. Computational prediction suggests that this variant may not impact protein structure and function (internally defined REVEL score threshold <= 0.5, PMID: 27666373). To our knowledge, functional studies have not been reported for this variant. This variant has not been reported in individuals affected with hereditary cancer in the literature. This variant has been identified in 1/251444 chromosomes in the general population by the Genome Aggregation Database (gnomAD). The available evidence is insufficient to determine the role of this variant in disease conclusively. Therefore, this variant is classified as a Variant of Uncertain Significance.

Labcorp Genetics (formerly Invitae), Labcorp
Classification: Uncertain significance for Familial cancer of breast; Fanconi anemia complementation group J. Last evaluated: 2021-08-27. Review status: criteria provided, single submitter. Criteria: Invitae Variant Classification Sherloc (09022015). Collection method: clinical testing. Allele origin: germline.
Comment: This sequence change replaces asparagine with aspartic acid at codon 1061 of the BRIP1 protein (p.Asn1061Asp). The asparagine residue is weakly conserved and there is a small physicochemical difference between asparagine and aspartic acid. This variant is not present in population databases (ExAC no frequency). This variant has not been reported in the literature in individuals affected with BRIP1-related conditions. Algorithms developed to predict the effect of missense changes on protein structure and function output the following: SIFT: "Tolerated"; PolyPhen-2: "Benign"; Align-GVGD: "Class C0". The aspartic acid amino acid residue is found in multiple mammalian species, which suggests that this missense change does not adversely affect protein function. In summary, the available evidence is currently insufficient to determine the role of this variant in disease. Therefore, it has been classified as a Variant of Uncertain Significance.